The following is an entry in ClinVar:

NM_002880.4(RAF1):c.1746G>C (p.Lys582Asn)

Gene: RAF1 (Raf-1 proto-oncogene, serine/threonine kinase; minus strand). Cytogenetic location: 3p25.2.
Variant type: single nucleotide variant.
Coding change: c.1746G>C on transcript NM_002880.4 (MANE Select); coding-DNA position 1746, G replaced by C.
Protein change: p.Lys582Asn; replaces lysine 582 with asparagine.
Molecular consequence: missense variant. On other transcripts: non-coding transcript variant (3).
Genome position (GRCh38, 1-based): chr3:12,584,904, C>G on the plus strand (G>C on the coding strand, the complement: RAF1 is on the minus strand). VCF-style: chr3-12584904-C-G. GRCh37 (hg19) VCF-style: chr3-12626403-C-G.
Other names: c.1806G>C, p.Lys602Asn (NM_001354689.3); c.1746G>C, p.Lys582Asn (NM_001354690.3); c.1503G>C, p.Lys501Asn (NM_001354691.3, NM_001354692.3); c.1647G>C, p.Lys549Asn (NM_001354693.3); c.1563G>C, p.Lys521Asn (NM_001354694.3); c.1404G>C, p.Lys468Asn (NM_001354695.3); short protein forms K549N, K468N, K521N, K501N, K582N, K602N.
Identifiers: ClinVar variation 836090 (VCV000836090.9), dbSNP rs2058276038, ClinGen allele CA351496693.

ClinVar aggregate classification (germline): Uncertain significance (1 of 4 stars; one submission).

Conditions:
RASopathy. Also called: rasopathies; Noonan spectrum disorder. Identifiers: Orphanet 536391, MedGen C5555857, MONDO:0021060.

Allele frequency attached by ClinVar (database versions not stated): gnomAD exomes below 0.00001.
gnomAD v4.1: 1 of 1,614,212 alleles (0.000062%); highest among the groups gnomAD compares: Non-Finnish European, 0.000085%; no homozygotes.

Submission:

Labcorp Genetics (formerly Invitae), Labcorp
Classification: Uncertain significance for RASopathy. Last evaluated: 2025-03-05. Review status: criteria provided, single submitter. Criteria: Invitae Variant Classification Sherloc (09022015). Collection method: clinical testing. Allele origin: germline.
Comment: This sequence change replaces lysine, which is basic and polar, with asparagine, which is neutral and polar, at codon 582 of the RAF1 protein (p.Lys582Asn). This variant is not present in population databases (gnomAD no frequency). This variant has not been reported in the literature in individuals affected with RAF1-related conditions. ClinVar contains an entry for this variant (Variation ID: 836090). Invitae Evidence Modeling of protein sequence and biophysical properties (such as structural, functional, and spatial information, amino acid conservation, physicochemical variation, residue mobility, and thermodynamic stability) indicates that this missense variant is expected to disrupt RAF1 protein function with a positive predictive value of 95%. In summary, the available evidence is currently insufficient to determine the role of this variant in disease. Therefore, it has been classified as a Variant of Uncertain Significance.